The following is an entry in ClinVar:

NM_001384140.1(PCDH15):c.803G>A (p.Cys268Tyr)

Gene: PCDH15 (protocadherin related 15; minus strand). Cytogenetic location: 10q21.1.
Variant type: single nucleotide variant.
Coding change: c.803G>A on transcript NM_001384140.1 (MANE Select); coding-DNA position 803, G replaced by A.
Protein change: p.Cys268Tyr; replaces cysteine 268 with tyrosine.
Molecular consequence: missense variant.
Genome position (GRCh38, 1-based): chr10:54,317,344, C>T on the plus strand (G>A on the coding strand, the complement: PCDH15 is on the minus strand). VCF-style: chr10-54317344-C-T. GRCh37 (hg19) VCF-style: chr10-56077104-C-T.
Other names: c.818G>A, p.Cys273Tyr (NM_001142763.2, NM_001142769.4, NM_001142771.2); c.803G>A, p.Cys268Tyr (NM_001142764.2, NM_001142765.2, NM_001142766.2 and 7 more transcripts); c.692G>A, p.Cys231Tyr (NM_001142767.2); c.737G>A, p.Cys246Tyr (NM_001142768.2, NM_001142773.2, NM_001354404.2); short protein forms C268Y, C246Y, C231Y, C273Y.
Identifiers: ClinVar variation 551458 (VCV000551458.3), dbSNP rs1283739647, ClinGen allele CA376540904.

ClinVar aggregate classification (germline): Uncertain significance. Review status: criteria provided, single submitter (1 of 4 stars). 2 submissions from 2 submitters: Uncertain significance (1). 1 of the submissions does not count toward it. Last evaluated 2024-05-06.

Conditions:
Usher syndrome type 1F (USH1F). Also called: USHER SYNDROME, TYPE IF. Identifiers: Orphanet 231169, Orphanet 886, MedGen C1865885, MONDO:0011186, OMIM 602083.

Allele frequency attached by ClinVar (database versions not stated): gnomAD exomes below 0.00001.
gnomAD v4.1: 2 of 1,613,950 alleles (0.00012%); highest among the groups gnomAD compares: Non-Finnish European, 0.00017%; no homozygotes.

Submissions (2):

Women's Health and Genetics/Laboratory Corporation of America, LabCorp
Classification: Uncertain significance. Last evaluated: 2024-05-06. Review status: criteria provided, single submitter. Criteria: LabCorp Variant Classification Summary - May 2015. Collection method: clinical testing. Allele origin: germline.
Comment: Variant summary: PCDH15 c.803G>A (p.Cys268Tyr) results in a non-conservative amino acid change in the encoded protein sequence. Five of five in-silico tools predict a damaging effect of the variant on protein function. The variant was absent in 251336 control chromosomes. The available data on variant occurrences in the general population are insufficient to allow any conclusion about variant significance. c.803G>A has been reported in the literature in an alternate transcript NM_001142763 (c.818G>A, p.Cys273Tyr), as a compound heterozygous genotype in at-least one individual affected with congenital, severe-profound, symmetric, autosomal recessive hearing loss (example, Sloan-Heggen_2016). To our knowledge, no experimental evidence demonstrating an impact on protein function has been reported. The following publication have been ascertained in the context of this evaluation (PMID: 26969326). ClinVar contains an entry for this variant (Variation ID: 551458). Based on the evidence outlined above, the variant was classified as uncertain significance.

Counsyl
Classification: Uncertain significance for Usher syndrome type 1F. Last evaluated: 2017-04-11. Review status: no assertion criteria provided. Collection method: clinical testing. Allele origin: unknown. Not counted in ClinVar's aggregate classification.

Literature cited by the submitters: PubMed 26969326 (cited by Women's Health and Genetics/Laboratory Corporation of America, LabCorp and Counsyl).